The following is an entry in ClinVar:

NM_000525.4(KCNJ11):c.674G>T (p.Ser225Ile)

Gene: KCNJ11 (potassium inwardly rectifying channel subfamily J member 11; minus strand). Cytogenetic location: 11p15.1.
Variant type: single nucleotide variant.
Coding change: c.674G>T on transcript NM_000525.4 (MANE Select); coding-DNA position 674, G replaced by T.
Protein change: p.Ser225Ile; replaces serine 225 with isoleucine.
Molecular consequence: missense variant.
Genome position (GRCh38, 1-based): chr11:17,387,418, C>A on the plus strand (G>T on the coding strand, the complement: KCNJ11 is on the minus strand). VCF-style: chr11-17387418-C-A. GRCh37 (hg19) VCF-style: chr11-17408965-C-A.
Other names: c.413G>T, p.Ser138Ile (NM_001166290.2, NM_001377296.1, NM_001377297.1); short protein forms S138I, S225I.
Identifiers: ClinVar variation 4882622 (VCV004882622.2).

ClinVar aggregate classification (germline): Uncertain significance (1 of 4 stars; one submission).

gnomAD v4.1: 1 of 1,613,854 alleles (0.000062%); no homozygotes.

Submission:

Dasa
Classification: Uncertain significance. Last evaluated: 2025-01-15. Review status: criteria provided, single submitter. Criteria: DASA Assertion Criteria. Collection method: clinical testing. Allele origin: germline.
Comment: NM_000525.4(KCNJ11):c.674G>T (p.Ser225Ile) is a missense variant that results in the substitution of serine with isoleucine. This variant is rare in population databases. Computational prediction algorithms are consistent with a deleterious effect. The currently available literature and clinical evidence are not sufficient to establish a definitive association between this variant and the reported condition. Therefore, this variant is classified as a variant of uncertain significance.